The following is an entry in ClinVar:

NM_000135.4(FANCA):c.1398C>T (p.Ser466=)

Gene: FANCA (FA complementation group A; minus strand). Cytogenetic location: 16q24.3.
Variant type: single nucleotide variant.
Coding change: c.1398C>T on transcript NM_000135.4 (MANE Select); coding-DNA position 1398, C replaced by T.
Protein change: p.Ser466=; no amino-acid change (serine 466 retained).
Molecular consequence: synonymous variant.
Genome position (GRCh38, 1-based): chr16:89,784,926, G>A on the plus strand (C>T on the coding strand, the complement: FANCA is on the minus strand). VCF-style: chr16-89784926-G-A. GRCh37 (hg19) VCF-style: chr16-89851334-G-A.
Other names: c.1398C>T, p.Ser466= (NM_001286167.3).
Identifiers: ClinVar variation 4532857 (VCV004532857.1).
Genomic context (GRCh38, chr16:89,784,926, plus strand): 5'-GGGAGACTCAAAAGGCACGAGTTCTGACAAGAACGTAAACAGGAAGACCAGGGCCTTCTT[G>A]CTGCAGCCATGGTAGCCTCGTGTGCTCCCAAAGGAGGCCTGTGTGGAGAGAAGAGCGTGA-3'
Protein context (NP_000126.2, residues 456-476): FGSTRGYHGC[Ser466=]KKALVFLFTF

ClinVar aggregate classification (germline): Uncertain significance (1 of 4 stars; one submission).

Submission:

Quest Diagnostics Nichols Institute San Juan Capistrano
Classification: Uncertain significance. Last evaluated: 2025-05-12. Review status: criteria provided, single submitter. Criteria: Quest Diagnostics criteria. Collection method: clinical testing. Allele origin: unknown.
Comment: The FANCA c.1398C>T (p.Ser466=) synonymous variant has not been reported in individuals with FANCA-related conditions in the published literature. It also has not been reported in large, multi-ethnic general populations (Genome Aggregation Database). Analysis of this variant using software algorithms for the prediction of the effect of nucleotide changes on FANCA mRNA splicing yielded predictions that this variant may result in the gain of a cryptic splice site without affecting the natural splice sites. Based on the available information, we are unable to determine the clinical significance of this variant.